The following is an entry in ClinVar:

ClinVar aggregate classification (germline): Uncertain significance (1 of 4 stars; one submission).

gnomAD v4.1: 2 of 1,534,930 alleles (0.00013%); no homozygotes.

Submission:

Labcorp Genetics (formerly Invitae), Labcorp
Classification: Uncertain significance. Last evaluated: 2021-05-30. Review status: criteria provided, single submitter. Criteria: Invitae Variant Classification Sherloc (09022015). Collection method: clinical testing. Allele origin: germline.
Comment: This variant has not been reported in the literature in individuals with NEFH-related conditions. In summary, the available evidence is currently insufficient to determine the role of this variant in disease. Therefore, it has been classified as a Variant of Uncertain Significance. Advanced modeling of protein sequence and biophysical properties (such as structural, functional, and spatial information, amino acid conservation, physicochemical variation, residue mobility, and thermodynamic stability) performed at Invitae indicates that this missense variant is not expected to disrupt NEFH protein function. The frequency data for this variant in the population databases is considered unreliable, as metrics indicate insufficient coverage at this position in the ExAC database. This sequence change replaces glycine with alanine at codon 83 of the NEFH protein (p.Gly83Ala). The glycine residue is highly conserved and there is a small physicochemical difference between glycine and alanine.

NM_021076.4(NEFH):c.248G>C (p.Gly83Ala)

Gene: NEFH (neurofilament heavy chain; plus strand). Cytogenetic location: 22q12.2.
Variant type: single nucleotide variant.
Coding change: c.248G>C on transcript NM_021076.4 (MANE Select); coding-DNA position 248, G replaced by C.
Protein change: p.Gly83Ala; replaces glycine 83 with alanine.
Molecular consequence: missense variant.
Genome position (GRCh38, 1-based): chr22:29,480,510, G>C. VCF-style: chr22-29480510-G-C. GRCh37 (hg19) VCF-style: chr22-29876499-G-C.
Other names: short protein forms G83A.
Identifiers: ClinVar variation 1357561 (VCV001357561.8), dbSNP rs2146390801, ClinGen allele CA411122192.